The following is an entry in ClinVar:

NM_000246.4(CIITA):c.38T>C (p.Leu13Pro)

Genes: CIITA (class II major histocompatibility complex transactivator; plus strand), LOC130058443 (ATAC-STARR-seq lymphoblastoid active region 10394; plus strand). Cytogenetic location: 16p13.13.
Variant type: single nucleotide variant.
Coding change: c.38T>C on transcript NM_000246.4 (MANE Select); coding-DNA position 38, T replaced by C.
Protein change: p.Leu13Pro; replaces leucine 13 with proline.
Molecular consequence: missense variant. On other transcripts: non-coding transcript variant (1).
Genome position (GRCh38, 1-based): chr16:10,877,368, T>C. VCF-style: chr16-10877368-T-C. GRCh37 (hg19) VCF-style: chr16-10971225-T-C.
Other names: c.38T>C, p.Leu13Pro (NM_001286402.1, NM_001286403.2, NM_001379330.1 and 3 more transcripts); short protein forms L13P.
Identifiers: ClinVar variation 648829 (VCV000648829.6), dbSNP rs753169767, ClinGen allele CA7899534.

ClinVar aggregate classification (germline): Uncertain significance (1 of 4 stars; one submission).

Conditions:
MHC class II deficiency. Also called: Bare lymphocyte syndrome 2; BLS, TYPE II. Identifiers: Orphanet 572, MedGen C5447452, MONDO:0008855.

Allele frequency attached by ClinVar (database versions not stated): gnomAD 0.00001; TOPMed 0.00001; gnomAD exomes 0.00002; ExAC 0.00003.
gnomAD v4.1: 43 of 1,613,142 alleles (0.0027%); highest among the groups gnomAD compares: Non-Finnish European, 0.0036%; no homozygotes.

Submission:

Labcorp Genetics (formerly Invitae), Labcorp
Classification: Uncertain significance for MHC class II deficiency. Last evaluated: 2021-08-20. Review status: criteria provided, single submitter. Criteria: Invitae Variant Classification Sherloc (09022015). Collection method: clinical testing. Allele origin: germline.
Comment: This sequence change replaces leucine with proline at codon 13 of the CIITA protein (p.Leu13Pro). The leucine residue is weakly conserved and there is a moderate physicochemical difference between leucine and proline. This variant is present in population databases (rs753169767, ExAC 0.01%). This variant has not been reported in the literature in individuals affected with CIITA-related conditions. Algorithms developed to predict the effect of missense changes on protein structure and function are either unavailable or do not agree on the potential impact of this missense change (SIFT: "Tolerated"; PolyPhen-2: "Possibly Damaging"; Align-GVGD: "Class C0"). In summary, the available evidence is currently insufficient to determine the role of this variant in disease. Therefore, it has been classified as a Variant of Uncertain Significance.